The following is an entry in ClinVar:

NM_130837.3(OPA1):c.2087C>T (p.Ala696Val)

Gene: OPA1 (OPA1 mitochondrial dynamin like GTPase; plus strand). Cytogenetic location: 3q29.
Variant type: single nucleotide variant.
Coding change: c.2087C>T on transcript NM_130837.3 (MANE Select); coding-DNA position 2087, C replaced by T.
Protein change: p.Ala696Val; replaces alanine 696 with valine.
Molecular consequence: missense variant.
Genome position (GRCh38, 1-based): chr3:193,654,936, C>T. VCF-style: chr3-193654936-C-T. GRCh37 (hg19) VCF-style: chr3-193372725-C-T.
Other names: c.1553C>T, p.Ala518Val (NM_001354663.2); c.1550C>T, p.Ala517Val (NM_001354664.2); c.1922C>T, p.Ala641Val (NM_015560.3); c.1814C>T, p.Ala605Val (NM_130831.3); c.1868C>T, p.Ala623Val (NM_130832.3); c.1925C>T, p.Ala642Val (NM_130833.3); c.1976C>T, p.Ala659Val (NM_130834.3); c.1979C>T, p.Ala660Val (NM_130835.3); and 1 more; short protein forms A605V, A659V, A518V, A641V, A660V, A678V, A517V, A623V.
Identifiers: ClinVar variation 4705311 (VCV004705311.1).

ClinVar aggregate classification (germline): Uncertain significance (1 of 4 stars; one submission).

gnomAD v4.1: 5 of 1,613,852 alleles (0.00031%); highest among the groups gnomAD compares: Admixed American, 0.0017%; no homozygotes.

Submission:

Labcorp Genetics (formerly Invitae), Labcorp
Classification: Uncertain significance. Last evaluated: 2025-09-23. Review status: criteria provided, single submitter. Criteria: Invitae Variant Classification Sherloc (09022015). Collection method: clinical testing. Allele origin: germline.
Comment: This sequence change replaces alanine, which is neutral and non-polar, with valine, which is neutral and non-polar, at codon 641 of the OPA1 protein (p.Ala641Val). This variant is present in population databases (no rsID available, gnomAD 0.003%). This missense change has been observed in individual(s) with OPA1-related conditions (PMID: 33884488). This variant is also known as c.2087C>T p.Ala696Val. Invitae Evidence Modeling of protein sequence and biophysical properties (such as structural, functional, and spatial information, amino acid conservation, physicochemical variation, residue mobility, and thermodynamic stability) indicates that this missense variant is not expected to disrupt OPA1 protein function with a negative predictive value of 80%. In summary, the available evidence is currently insufficient to determine the role of this variant in disease. Therefore, it has been classified as a Variant of Uncertain Significance.

Literature cited by the submitters: PubMed 33884488.